The following is an entry in ClinVar:

NM_031892.3(SH3KBP1):c.1882G>A (p.Asp628Asn)

Gene: SH3KBP1 (SH3 domain containing kinase binding protein 1; minus strand). Cytogenetic location: Xp22.12.
Variant type: single nucleotide variant.
Coding change: c.1882G>A on transcript NM_031892.3 (MANE Select); coding-DNA position 1882, G replaced by A.
Protein change: p.Asp628Asn; replaces aspartic acid 628 with asparagine.
Molecular consequence: missense variant.
Genome position (GRCh38, 1-based): chrX:19,541,935, C>T on the plus strand (G>A on the coding strand, the complement: SH3KBP1 is on the minus strand). VCF-style: chrX-19541935-C-T. GRCh37 (hg19) VCF-style: chrX-19560053-C-T.
Other names: c.1828G>A, p.Asp610Asn (NM_001353892.2); c.1780G>A, p.Asp594Asn (NM_001353893.2); c.1651G>A, p.Asp551Asn (NM_001353894.2); c.1708G>A, p.Asp570Asn (NM_001353895.2); c.1771G>A, p.Asp591Asn (NM_001024666.3); c.1168G>A, p.Asp390Asn (NM_001184960.2); c.1753G>A, p.Asp585Asn (NM_001353890.2); c.1957G>A, p.Asp653Asn (NM_001353891.2); and 5 more; short protein forms D594N, D610N, D653N, D526N, D585N, D629N, D347N, D390N.
Identifiers: ClinVar variation 2979525 (VCV002979525.4), dbSNP rs1313284698, ClinGen allele CA412495603.

ClinVar aggregate classification (germline): Uncertain significance. Review status: criteria provided, multiple submitters, no conflicts (2 of 4 stars). 2 submissions from 2 submitters: Uncertain significance (2). Last evaluated 2025-10-23.

Allele frequency attached by ClinVar (database versions not stated): TOPMed below 0.00001; gnomAD 0.00001.
gnomAD v4.1: 1 of 1,205,896 alleles (0.000083%); highest among the groups gnomAD compares: Non-Finnish European, 0.00011%; no homozygotes.

Submissions (2):

Ambry Genetics
Classification: Uncertain significance. Last evaluated: 2025-10-23. Review status: criteria provided, single submitter. Criteria: Ambry Variant Classification Scheme 2023. Collection method: clinical testing. Allele origin: germline.

Labcorp Genetics (formerly Invitae), Labcorp
Classification: Uncertain significance. Last evaluated: 2023-11-25. Review status: criteria provided, single submitter. Criteria: Invitae Variant Classification Sherloc (09022015). Collection method: clinical testing. Allele origin: germline.
Comment: This sequence change replaces aspartic acid, which is acidic and polar, with asparagine, which is neutral and polar, at codon 628 of the SH3KBP1 protein (p.Asp628Asn). This variant is not present in population databases (gnomAD no frequency). This variant has not been reported in the literature in individuals affected with SH3KBP1-related conditions. Advanced modeling of protein sequence and biophysical properties (such as structural, functional, and spatial information, amino acid conservation, physicochemical variation, residue mobility, and thermodynamic stability) performed at Invitae indicates that this missense variant is not expected to disrupt SH3KBP1 protein function with a negative predictive value of 80%. In summary, the available evidence is currently insufficient to determine the role of this variant in disease. Therefore, it has been classified as a Variant of Uncertain Significance.